The following is an entry in ClinVar:

ClinVar aggregate classification (germline): Pathogenic (1 of 4 stars; one submission).

Submission:

ISCA site 4
Classification: Pathogenic. Last evaluated: 2011-08-12. Review status: criteria provided, single submitter. Criteria: Kaminsky et al. (Genet Med. 2011). Collection method: clinical testing. Allele origin: unknown. Affected: yes. Observed: 1 variant allele.
Comment: Copy number variation identified through the course of routine clinical cytogenomic testing in postnatal populations. Clinical assertions have been curated as described in Kaminsky et al. 2011.

GRCh38/hg38 2p16.3(chr2:50856272-51155734)x1

Genes: NRXN1 (neurexin 1; minus strand), NRXN1-DT (NRXN1 divergent transcript; plus strand). Cytogenetic location: 2p16.3.
Variant type: copy number loss.
Change: copy number 1 (one copy instead of two) of chr2:50,856,272-51,155,734 (299.5 kb, GRCh38 coordinates, 1-based), cytogenetic band 2p16.3.
Identifiers: ClinVar variation 60145 (VCV000060145.1).